The following is an entry in ClinVar:

ClinVar aggregate classification (germline): Benign/Likely benign. Review status: criteria provided, multiple submitters, no conflicts (2 of 4 stars). 5 submissions from 5 submitters: Benign (1); Likely benign (3). 1 of the submissions does not count toward it. Last evaluated 2026-01-26.

Conditions:
BACH2-related disorder. Also called: BACH2-related condition.

Allele frequency attached by ClinVar (database versions not stated): 1000 Genomes Project 0.00060; 1000 Genomes Project 30x 0.00062; TOPMed 0.00138; gnomAD exomes 0.00165 and 0.00219; gnomAD 0.00186 and 0.00194; ESP Exome Variant Server 0.00192; ExAC 0.00198.
gnomAD v4.1: 3,448 of 1,614,182 alleles (0.21%); highest among the groups gnomAD compares: Non-Finnish European, 0.26%; 6 homozygotes.

Submissions (5):

Labcorp Genetics (formerly Invitae), Labcorp
Classification: Likely benign. Last evaluated: 2026-01-26. Review status: criteria provided, single submitter. Criteria: Invitae Variant Classification Sherloc (09022015). Collection method: clinical testing. Allele origin: germline.

Mayo Clinic Laboratories, Mayo Clinic
Classification: Likely benign. Last evaluated: 2025-11-21. Review status: criteria provided, single submitter. Criteria: ACMG Guidelines, 2015. Collection method: clinical testing. Allele origin: germline. Observed: 1 variant allele.
Comment: BS2_supporting, BP4

Blueprint Genetics
Classification: Likely benign. Last evaluated: 2024-11-11. Review status: criteria provided, single submitter. Criteria: ACMG Guidelines, 2015. Collection method: clinical testing. Allele origin: germline.

CeGaT Center for Human Genetics Tuebingen
Classification: Benign. Last evaluated: 2022-09-01. Review status: criteria provided, single submitter. Criteria: CeGaT Center For Human Genetics Tuebingen Variant Classification Criteria Version 2. Collection method: clinical testing. Allele origin: germline. Affected: yes. Observed: 1 variant allele.
Comment: BACH2: BS1, BS2

PreventionGenetics, part of Exact Sciences
Classification: Likely benign for BACH2-related condition. Last evaluated: 2019-10-15. Review status: no assertion criteria provided. Collection method: clinical testing. Allele origin: germline. Not counted in ClinVar's aggregate classification.
Comment: This variant is classified as likely benign based on ACMG/AMP sequence variant interpretation guidelines (Richards et al. 2015 PMID: 25741868, with internal and published modifications).

NM_021813.4(BACH2):c.583G>A (p.Ala195Thr)

Gene: BACH2 (BACH transcriptional regulator 2; minus strand). Cytogenetic location: 6q15.
Variant type: single nucleotide variant.
Coding change: c.583G>A on transcript NM_021813.4 (MANE Select); coding-DNA position 583, G replaced by A.
Protein change: p.Ala195Thr; replaces alanine 195 with threonine.
Molecular consequence: missense variant.
Genome position (GRCh38, 1-based): chr6:89,951,523, C>T on the plus strand (G>A on the coding strand, the complement: BACH2 is on the minus strand). VCF-style: chr6-89951523-C-T. GRCh37 (hg19) VCF-style: chr6-90661242-C-T.
Other names: p.Ala195Thr; c.583G>A, p.Ala195Thr (NM_001170794.2); c.583G>A (NM_021813.3); short protein forms A195T.
Identifiers: ClinVar variation 734225 (VCV000734225.37), dbSNP rs143586122, ClinGen allele CA3928142.